The following is an entry in ClinVar:

Conditions:
Breast-ovarian cancer, familial, susceptibility to, 1 (BROVCA1). Also called: BRCA1 Hereditary Breast and Ovarian Cancer; OVARIAN CANCER, SUSCEPTIBILITY TO. Identifiers: Orphanet 145, MedGen C2676676, MONDO:0011450, OMIM 604370. Disease mechanism: loss of function.

Submission:

Brotman Baty Institute, University of Washington
No classification provided (evidence only). Condition: Breast-ovarian cancer, familial 1. Review status: no classification provided. Collection method: in vitro. Allele origin: not applicable. Functional consequence: functionally_normal.
ClinVar note: "not provided" was previously submitted as the classification for the variant. However, the classification appeared to be based only on an observation of functional data so it was converted to no classification on 2025-07-30.

NM_007294.4(BRCA1):c.285T>G (p.Leu95=)

Gene: BRCA1 (BRCA1 DNA repair associated; minus strand). Cytogenetic location: 17q21.31.
Variant type: single nucleotide variant.
Coding change: c.285T>G on transcript NM_007294.4 (MANE Select); coding-DNA position 285, T replaced by G.
Protein change: p.Leu95=; no amino-acid change (leucine 95 retained).
Molecular consequence: synonymous variant. On other transcripts: 5 prime UTR variant (7), intron variant (2).
Genome position (GRCh38, 1-based): chr17:43,104,884, A>C on the plus strand (T>G on the coding strand, the complement: BRCA1 is on the minus strand). VCF-style: chr17-43104884-A-C. GRCh37 (hg19) VCF-style: chr17-41256901-A-C.
Other names: c.285T>G, p.Leu95= (NM_001408407.1, NM_001408408.1, NM_001408418.1 and 168 more transcripts); c.207T>G, p.Leu69= (NM_001408409.1, NM_001408411.1, NM_001408412.1 and 21 more transcripts); c.144T>G, p.Leu48= (NM_001408410.1, NM_001408452.1, NM_001408453.1 and 99 more transcripts); c.153T>G, p.Leu51= (NM_001408451.1); c.75T>G, p.Leu25= (NM_001408478.1, NM_001408479.1, NM_001408480.1 and 58 more transcripts); c.-97T>G (NM_001408510.1, NM_001408512.1, NM_001407959.1 and 4 more transcripts); c.-218-10024T>G (NM_001407967.1, NM_001407966.1).
Identifiers: ClinVar variation 868824 (VCV000868824.3), dbSNP rs2054674739, ClinGen allele CA500127481.
Genomic context (GRCh38, chr17:43,104,884, plus strand): 5'-ATGGACAGCACTTGAGTGTCATTCTTGGGATATTCAACACTTACACTCCAAACCTGTGTC[A>C]AGCTGAAAAGCACAAATGATTTTCAATAGCTCTTCAACAAGTTGACTAAATCTCGTACTT-3'
Protein context (NP_009225.1, residues 85-105): ELLKIICAFQ[Leu95=]DTGLEYANSY